The following is an entry in ClinVar:

NM_001143809.2(BDNF):c.43C>A (p.Arg15Ser)

Gene: BDNF (brain derived neurotrophic factor; minus strand). Cytogenetic location: 11p14.1.
Variant type: single nucleotide variant.
Coding change: c.43C>A on transcript NM_001143809.2; coding-DNA position 43, C replaced by A.
Protein change: p.Arg15Ser; replaces arginine 15 with serine.
Molecular consequence: missense variant. On other transcripts: intron variant (6), 5 prime UTR variant (3).
Genome position (GRCh38, 1-based): chr11:27,700,994, G>T on the plus strand (C>A on the coding strand, the complement: BDNF is on the minus strand). VCF-style: chr11-27700994-G-T. GRCh37 (hg19) VCF-style: chr11-27722541-G-T.
Other names: c.-22+18517C>A (NM_001143807.2); c.-22+303C>A (NM_170733.4); c.3+20418C>A (NM_170731.5); c.-22+19650C>A (NM_001143805.1); c.-22+19435C>A (NM_001143806.1); c.-22+19352C>A (NM_170732.4); c.-35C>A (NM_001143808.2); c.-82C>A (NM_001143810.2); and 1 more; short protein forms R15S.
Identifiers: ClinVar variation 5001579 (VCV005001579.1).

ClinVar aggregate classification (germline): Uncertain significance (1 of 4 stars; one submission).

Conditions:
BDNF-related disorder. Also called: BDNF-related condition.

Submission:

PreventionGenetics, part of Exact Sciences
Classification: Uncertain significance for BDNF-related condition. Last evaluated: 2025-06-12. Review status: criteria provided, single submitter. Criteria: ACMG Guidelines, 2015. Collection method: clinical testing. Allele origin: germline.
Comment: The BDNF c.43C>A variant is predicted to result in the amino acid substitution p.Arg15Ser. To our knowledge, this variant has not been reported in the literature or in a large population database (gnomAD), indicating this variant is rare. At this time, the clinical significance of this variant is uncertain due to the absence of conclusive functional and genetic evidence.